The following is an entry in ClinVar:

ClinVar aggregate classification (germline): Uncertain significance. Review status: criteria provided, multiple submitters, no conflicts (2 of 4 stars). 4 submissions from 4 submitters: Uncertain significance (4). Last evaluated 2025-05-13.

Conditions:
Dyskeratosis congenita, autosomal dominant 2. Identifiers: MedGen C3151443, MONDO:0013521, OMIM 613989.
Idiopathic Pulmonary Fibrosis. Also called: Idiopathic fibrosing alveolitis, chronic form; idiopathic fibrosing alveolitis. Identifiers: Orphanet 2032, MedGen C1800706, MeSH D054990, MONDO:0800504.
Dyskeratosis congenita. Identifiers: Orphanet 1775, MedGen C0265965, MONDO:0015780.

Submissions (4):

Ambry Genetics
Classification: Uncertain significance for Dyskeratosis congenita. Last evaluated: 2025-05-13. Review status: criteria provided, single submitter. Criteria: Ambry Variant Classification Scheme 2023. Collection method: clinical testing. Allele origin: germline.
Comment: The p.V251L variant (also known as c.751G>C), located in coding exon 2 of the TERT gene, results from a G to C substitution at nucleotide position 751. The valine at codon 251 is replaced by leucine, an amino acid with highly similar properties. This amino acid position is not well conserved in available vertebrate species. In addition, this alteration is predicted to be tolerated by in silico analysis. Based on the available evidence, the clinical significance of this variant remains unclear.

Labcorp Genetics (formerly Invitae), Labcorp
Classification: Uncertain significance for Dyskeratosis congenita, autosomal dominant 2; Idiopathic Pulmonary Fibrosis. Last evaluated: 2022-09-28. Review status: criteria provided, single submitter. Criteria: Invitae Variant Classification Sherloc (09022015). Collection method: clinical testing. Allele origin: germline.
Comment: This sequence change replaces valine, which is neutral and non-polar, with leucine, which is neutral and non-polar, at codon 251 of the TERT protein (p.Val251Leu). This variant is not present in population databases (gnomAD no frequency). This variant has not been reported in the literature in individuals affected with TERT-related conditions. ClinVar contains an entry for this variant (Variation ID: 953128). Advanced modeling of protein sequence and biophysical properties (such as structural, functional, and spatial information, amino acid conservation, physicochemical variation, residue mobility, and thermodynamic stability) performed at Invitae indicates that this missense variant is not expected to disrupt TERT protein function. In summary, the available evidence is currently insufficient to determine the role of this variant in disease. Therefore, it has been classified as a Variant of Uncertain Significance.

GeneDx
Classification: Uncertain significance. Last evaluated: 2022-06-01. Review status: criteria provided, single submitter. Criteria: GeneDx Variant Classification Process June 2021. Collection method: clinical testing. Allele origin: germline. Affected: yes.
Comment: Not observed at significant frequency in large population cohorts (gnomAD); In silico analysis supports that this missense variant does not alter protein structure/function; Has not been previously published as pathogenic or benign to our knowledge

Blueprint Genetics
Classification: Uncertain significance. Last evaluated: 2021-03-23. Review status: criteria provided, single submitter. Criteria: ACMG Guidelines, 2015. Collection method: clinical testing. Allele origin: germline.

NM_198253.3(TERT):c.751G>C (p.Val251Leu)

Gene: TERT (telomerase reverse transcriptase; minus strand). Cytogenetic location: 5p15.33.
Variant type: single nucleotide variant.
Coding change: c.751G>C on transcript NM_198253.3 (MANE Select); coding-DNA position 751, G replaced by C.
Protein change: p.Val251Leu; replaces valine 251 with leucine.
Molecular consequence: missense variant. On other transcripts: non-coding transcript variant (2).
Genome position (GRCh38, 1-based): chr5:1,294,135, C>G on the plus strand (G>C on the coding strand, the complement: TERT is on the minus strand). VCF-style: chr5-1294135-C-G. GRCh37 (hg19) VCF-style: chr5-1294250-C-G.
Other names: c.751G>C, p.Val251Leu (NM_001193376.3); short protein forms V251L.
Identifiers: ClinVar variation 953128 (VCV000953128.12), dbSNP rs776569822, ClinGen allele CA359056898.